The following is an entry in ClinVar:

NM_001145718.3(CT47B1):c.426G>C (p.Gln142His)

Gene: CT47B1 (cancer/testis antigen family 47 member B1; minus strand). Cytogenetic location: Xq24.
Variant type: single nucleotide variant.
Coding change: c.426G>C on transcript NM_001145718.3 (MANE Select); coding-DNA position 426, G replaced by C.
Protein change: p.Gln142His; replaces glutamine 142 with histidine.
Molecular consequence: missense variant.
Genome position (GRCh38, 1-based): chrX:120,875,245, C>G on the plus strand (G>C on the coding strand, the complement: CT47B1 is on the minus strand). VCF-style: chrX-120875245-C-G. GRCh37 (hg19) VCF-style: chrX-120009099-C-G.
Other names: short protein forms Q142H.
Identifiers: ClinVar variation 2661336 (VCV002661336.24), dbSNP rs772841825, ClinGen allele CA10506233.
Genomic context (GRCh38, chrX:120,875,245, plus strand): 5'-GAGGTTGGGCACAGCAGCGTGGGGCCCCACCATCAGGCGGCTGAGGTGACGGTTCGCTAT[C>G]TGGATGTGGTCGTTGTGATAGAGGCGGCGGAGAAGGGAGTGGACCAGGTACAGGAACACG-3'
Protein context (NP_001139190.1, residues 132-152): LRRLYHNDHI[Gln142His]IANRHLSRLM

ClinVar aggregate classification (germline): Likely benign (1 of 4 stars; one submission).

Allele frequency attached by ClinVar (database versions not stated): ExAC 0.00001; 1000 Genomes Project 30x 0.00021.

Submission:

CeGaT Center for Human Genetics Tuebingen
Classification: Likely benign. Last evaluated: 2023-02-01. Review status: criteria provided, single submitter. Criteria: CeGaT Center For Human Genetics Tuebingen Variant Classification Criteria Version 2. Collection method: clinical testing. Allele origin: germline. Affected: yes. Observed: 1 variant allele.
Comment: CT47B1: BS2